The following is an entry in ClinVar:

NM_000043.6(FAS):c.506G>T (p.Gly169Val)

Gene: FAS (Fas cell surface death receptor; plus strand). Cytogenetic location: 10q23.31.
Variant type: single nucleotide variant.
Coding change: c.506G>T on transcript NM_000043.6 (MANE Select); coding-DNA position 506, G replaced by T.
Protein change: p.Gly169Val; replaces glycine 169 with valine.
Molecular consequence: missense variant. On other transcripts: non-coding transcript variant (5), intron variant (1).
Genome position (GRCh38, 1-based): chr10:89,010,753, G>T. VCF-style: chr10-89010753-G-T. GRCh37 (hg19) VCF-style: chr10-90770510-G-T.
Other names: c.506G>T, p.Gly169Val (NM_001320619.2, NM_152872.4); c.505+153G>T (NM_152871.4); short protein forms G169V.
Identifiers: ClinVar variation 835573 (VCV000835573.9), dbSNP rs1848488731, ClinGen allele CA377509061.

ClinVar aggregate classification (germline): Uncertain significance (1 of 4 stars; one submission).

Conditions:
Autoimmune lymphoproliferative syndrome type 1. Also called: AUTOIMMUNE LYMPHOPROLIFERATIVE SYNDROME, TYPE I, AUTOSOMAL DOMINANT. Identifiers: Orphanet 3261, MedGen C2717884, MONDO:0011158, OMIM 601859.

Submission:

Labcorp Genetics (formerly Invitae), Labcorp
Classification: Uncertain significance for Autoimmune lymphoproliferative syndrome. Last evaluated: 2024-02-17. Review status: criteria provided, single submitter. Criteria: Invitae Variant Classification Sherloc (09022015). Collection method: clinical testing. Allele origin: germline.
Comment: This sequence change replaces glycine, which is neutral and non-polar, with valine, which is neutral and non-polar, at codon 169 of the FAS protein (p.Gly169Val). This variant is not present in population databases (gnomAD no frequency). This variant has not been reported in the literature in individuals affected with FAS-related conditions. ClinVar contains an entry for this variant (Variation ID: 835573). An algorithm developed to predict the effect of missense changes on protein structure and function (PolyPhen-2) suggests that this variant is likely to be tolerated. Algorithms developed to predict the effect of sequence changes on RNA splicing suggest that this variant may disrupt the consensus splice site. In summary, the available evidence is currently insufficient to determine the role of this variant in disease. Therefore, it has been classified as a Variant of Uncertain Significance.